The following is an entry in ClinVar:

ClinVar aggregate classification (germline): Uncertain significance (1 of 4 stars; one submission).

Conditions:
Progressive encephalopathy with leukodystrophy due to DECR deficiency. Identifiers: Orphanet 431361, MedGen C1857252, MONDO:0014464, OMIM 616034.

Allele frequency attached by ClinVar (database versions not stated): gnomAD exomes below 0.00001; gnomAD 0.00002; TOPMed 0.00006.
gnomAD v4.1: 9 of 1,545,922 alleles (0.00058%); highest among the groups gnomAD compares: African/African-American, 0.011%; no homozygotes.

Submission:

Labcorp Genetics (formerly Invitae), Labcorp
Classification: Uncertain significance for Progressive encephalopathy with leukodystrophy due to DECR deficiency. Last evaluated: 2024-01-22. Review status: criteria provided, single submitter. Criteria: Invitae Variant Classification Sherloc (09022015). Collection method: clinical testing. Allele origin: germline.
Comment: This sequence change falls in intron 1 of the NADK2 gene. It does not directly change the encoded amino acid sequence of the NADK2 protein. It affects a nucleotide within the consensus splice site. This variant is not present in population databases (gnomAD no frequency). This variant has not been reported in the literature in individuals affected with NADK2-related conditions. Variants that disrupt the consensus splice site are a relatively common cause of aberrant splicing (PMID: 17576681, 9536098). Algorithms developed to predict the effect of sequence changes on RNA splicing suggest that this variant is not likely to affect RNA splicing. In summary, the available evidence is currently insufficient to determine the role of this variant in disease. Therefore, it has been classified as a Variant of Uncertain Significance.

Literature cited by the submitters: PubMed 17576681; PubMed 9536098.

NM_001085411.3(NADK2):c.300+3G>A

Genes: NADK2 (NAD kinase 2, mitochondrial; minus strand), LOC129993801 (ATAC-STARR-seq lymphoblastoid silent region 15972; plus strand). Cytogenetic location: 5p13.2.
Variant type: single nucleotide variant.
Coding change: c.300+3G>A on transcript NM_001085411.3 (MANE Select); 3 bases into the intron after coding-DNA position 300, G replaced by A.
Molecular consequence: intron variant.
Genome position (GRCh38, 1-based): chr5:36,241,496, C>T on the plus strand (G>A on the coding strand, the complement: NADK2 is on the minus strand). VCF-style: chr5-36241496-C-T. GRCh37 (hg19) VCF-style: chr5-36241598-C-T.
Other names: c.-190+600G>A (NM_153013.5, NM_001287341.2).
Identifiers: ClinVar variation 2721521 (VCV002721521.3), dbSNP rs771197983, ClinGen allele CA3234786.